The following is an entry in ClinVar:

ClinVar aggregate classification (germline): Likely benign. Review status: criteria provided, multiple submitters, no conflicts (2 of 4 stars). 4 submissions from 4 submitters: Likely benign (3). 1 of the submissions does not count toward it. Last evaluated 2025-09-21.

Conditions:
CDH23-related disorder. Also called: CDH23-related condition; CDH23-related disorders.
Usher syndrome type 1 (USH1). Also called: RETINITIS PIGMENTOSA AND CONGENITAL DEAFNESS. Identifiers: Orphanet 231169, Orphanet 886, MedGen C1568247, MONDO:0010168, OMIM 276900.

Allele frequency attached by ClinVar (database versions not stated): gnomAD exomes 0.00005; TOPMed 0.00005; gnomAD 0.00006; ExAC 0.00007; ESP Exome Variant Server 0.00008.
gnomAD v4.1: 65 of 1,612,794 alleles (0.004%); highest among the groups gnomAD compares: East Asian, 0.013%; no homozygotes.

Submissions (4):

Labcorp Genetics (formerly Invitae), Labcorp
Classification: Likely benign. Last evaluated: 2025-09-21. Review status: criteria provided, single submitter. Criteria: Invitae Variant Classification Sherloc (09022015). Collection method: clinical testing. Allele origin: germline.

PreventionGenetics, part of Exact Sciences
Classification: Likely benign for CDH23-related condition. Last evaluated: 2025-04-22. Review status: criteria provided, single submitter. Criteria: ACMG Guidelines, 2015. Collection method: clinical testing. Allele origin: germline.
Comment: This variant is classified as likely benign based on ACMG/AMP sequence variant interpretation guidelines (Richards et al. 2015 PMID: 25741868, with internal and published modifications).

Blueprint Genetics
Classification: Likely benign. Last evaluated: 2024-08-27. Review status: criteria provided, single submitter. Criteria: ACMG Guidelines, 2015. Collection method: clinical testing. Allele origin: germline.

Natera, Inc.
Classification: Likely benign for Usher syndrome type 1. Last evaluated: 2020-04-24. Review status: no assertion criteria provided. Collection method: clinical testing. Allele origin: germline. Not counted in ClinVar's aggregate classification.

NM_022124.6(CDH23):c.2766C>T (p.Asn922=)

Gene: CDH23 (cadherin related 23; plus strand). Cytogenetic location: 10q22.1.
Variant type: single nucleotide variant.
Coding change: c.2766C>T on transcript NM_022124.6 (MANE Select); coding-DNA position 2766, C replaced by T.
Protein change: p.Asn922=; no amino-acid change (asparagine 922 retained).
Molecular consequence: synonymous variant.
Genome position (GRCh38, 1-based): chr10:71,704,943, C>T. VCF-style: chr10-71704943-C-T. GRCh37 (hg19) VCF-style: chr10-73464700-C-T.
Other names: c.2766C>T, p.Asn922= (NM_001171930.2, NM_001171931.2).
Identifiers: ClinVar variation 793219 (VCV000793219.13), dbSNP rs371670151, ClinGen allele CA5544334.